The following is an entry in ClinVar:

NM_001267550.2(TTN):c.429A>G (p.Glu143=)

Gene: TTN (titin; minus strand). Cytogenetic location: 2q31.2.
Variant type: single nucleotide variant.
Coding change: c.429A>G on transcript NM_001267550.2 (MANE Select); coding-DNA position 429, A replaced by G.
Protein change: p.Glu143=; no amino-acid change (glutamic acid 143 retained).
Molecular consequence: synonymous variant.
Genome position (GRCh38, 1-based): chr2:178,800,549, T>C on the plus strand (A>G on the coding strand, the complement: TTN is on the minus strand). VCF-style: chr2-178800549-T-C. GRCh37 (hg19) VCF-style: chr2-179665276-T-C.
Other names: c.429A>G, p.Glu143= (NM_133378.4, NM_001256850.1, NM_003319.4 and 3 more transcripts).
Identifiers: ClinVar variation 467151 (VCV000467151.14), dbSNP rs878966869, ClinGen allele CA60988361.

ClinVar aggregate classification (germline): Likely benign. Review status: criteria provided, multiple submitters, no conflicts (2 of 4 stars). 3 submissions from 3 submitters: Likely benign (3). Last evaluated 2025-08-20.

Conditions:
Autosomal recessive limb-girdle muscular dystrophy type 2J (LGMDR10). Also called: MUSCULAR DYSTROPHY, LIMB-GIRDLE, AUTOSOMAL RECESSIVE 10; Limb-girdle muscular dystrophy, type 2J. Identifiers: Orphanet 140922, MedGen C1837342, MONDO:0012127, OMIM 608807.
Dilated cardiomyopathy 1G (CMD1G). Identifiers: Orphanet 154, MedGen C1858763, MONDO:0011400, OMIM 604145.

Allele frequency attached by ClinVar (database versions not stated): gnomAD exomes below 0.00001.
gnomAD v4.1: 3 of 1,614,180 alleles (0.00019%); highest among the groups gnomAD compares: Non-Finnish European, 0.00017%; no homozygotes.

Submissions (3):

Labcorp Genetics (formerly Invitae), Labcorp
Classification: Likely benign for Dilated cardiomyopathy 1G; Autosomal recessive limb-girdle muscular dystrophy type 2J. Last evaluated: 2025-08-20. Review status: criteria provided, single submitter. Criteria: Invitae Variant Classification Sherloc (09022015). Collection method: clinical testing. Allele origin: germline.

Blueprint Genetics
Classification: Likely benign. Last evaluated: 2022-04-04. Review status: criteria provided, single submitter. Criteria: ACMG Guidelines, 2015. Collection method: clinical testing. Allele origin: germline.

Laboratory for Molecular Medicine, Mass General Brigham Personalized Medicine
Classification: Likely benign. Last evaluated: 2016-12-14. Review status: criteria provided, single submitter. Criteria: LMM Criteria. Collection method: clinical testing. Allele origin: germline. Observed: 1 variant allele.
Comment: p.Glu143Glu in exon 4 of TTN: This variant is not expected to have clinical sign ificance because it does not alter an amino acid residue and is not located with in the splice consensus sequence.